The following is an entry in ClinVar:

ClinVar aggregate classification (germline): Likely benign (1 of 4 stars; one submission).

Submission:

CeGaT Center for Human Genetics Tuebingen
Classification: Likely benign. Last evaluated: 2023-12-01. Review status: criteria provided, single submitter. Criteria: CeGaT Center For Human Genetics Tuebingen Variant Classification Criteria Version 2. Collection method: clinical testing. Allele origin: germline. Affected: yes. Observed: 3 variant alleles.
Comment: HYDIN: PM2:Supporting, BP4, BP7

NM_001270974.2(HYDIN):c.1470C>T (p.Ser490=)

Gene: HYDIN (HYDIN axonemal central pair apparatus protein; minus strand). Cytogenetic location: 16q22.2.
Variant type: single nucleotide variant.
Coding change: c.1470C>T on transcript NM_001270974.2 (MANE Select); coding-DNA position 1470, C replaced by T.
Protein change: p.Ser490=; no amino-acid change (serine 490 retained).
Molecular consequence: synonymous variant.
Genome position (GRCh38, 1-based): chr16:71,088,501, G>A on the plus strand (C>T on the coding strand, the complement: HYDIN is on the minus strand). VCF-style: chr16-71088501-G-A. GRCh37 (hg19) VCF-style: chr16-71122404-G-A.
Other names: c.1521C>T, p.Ser507= (NM_001198543.1); c.1470C>T, p.Ser490= (NM_017558.5); c.1551C>T, p.Ser517= (NM_001198542.1).
Identifiers: ClinVar variation 2646793 (VCV002646793.24), dbSNP rs2507402829, ClinGen allele CA496251048.